The following is an entry in ClinVar:

ClinVar aggregate classification (germline): Uncertain significance. Review status: criteria provided, multiple submitters, no conflicts (2 of 4 stars). 2 submissions from 2 submitters: Uncertain significance (2). Last evaluated 2025-11-27.

Allele frequency attached by ClinVar (database versions not stated): gnomAD exomes 0.00008; gnomAD 0.00009; 1000 Genomes Project 30x 0.00031.
gnomAD v4.1: 48 of 1,522,626 alleles (0.0032%); highest among the groups gnomAD compares: Admixed American, 0.044%; no homozygotes.

Submissions (2):

Labcorp Genetics (formerly Invitae), Labcorp
Classification: Uncertain significance. Last evaluated: 2025-11-27. Review status: criteria provided, single submitter. Criteria: Invitae Variant Classification Sherloc (09022015). Collection method: clinical testing. Allele origin: germline.
Comment: This sequence change replaces proline, which is neutral and non-polar, with leucine, which is neutral and non-polar, at codon 26 of the RELB protein (p.Pro26Leu). This variant is present in population databases (rs747010962, gnomAD 0.04%). This variant has not been reported in the literature in individuals affected with RELB-related conditions. ClinVar contains an entry for this variant (Variation ID: 1407890). An algorithm developed to predict the effect of missense changes on protein structure and function outputs the following: PolyPhen-2: "Benign". The leucine amino acid residue is found in multiple mammalian species, which suggests that this missense change does not adversely affect protein function. In summary, the available evidence is currently insufficient to determine the role of this variant in disease. Therefore, it has been classified as a Variant of Uncertain Significance.

Ambry Genetics
Classification: Uncertain significance. Last evaluated: 2025-01-16. Review status: criteria provided, single submitter. Criteria: Ambry Variant Classification Scheme 2023. Collection method: clinical testing. Allele origin: germline.

NM_006509.4(RELB):c.77C>T (p.Pro26Leu)

Genes: RELB (RELB proto-oncogene, NF-kB subunit; plus strand), LOC130064661 (ATAC-STARR-seq lymphoblastoid silent region 10746; plus strand). Cytogenetic location: 19q13.32.
Variant type: single nucleotide variant.
Coding change: c.77C>T on transcript NM_006509.4 (MANE Select); coding-DNA position 77, C replaced by T.
Protein change: p.Pro26Leu; replaces proline 26 with leucine.
Molecular consequence: missense variant.
Genome position (GRCh38, 1-based): chr19:45,001,656, C>T. VCF-style: chr19-45001656-C-T. GRCh37 (hg19) VCF-style: chr19-45504914-C-T.
Other names: c.77C>T (NM_006509.3); short protein forms P26L.
Identifiers: ClinVar variation 1407890 (VCV001407890.8), dbSNP rs747010962, ClinGen allele CA9507413.